The following is an entry in ClinVar:

NM_176869.3(PPA2):c.869G>C (p.Cys290Ser)

Gene: PPA2 (inorganic pyrophosphatase 2; minus strand). Cytogenetic location: 4q24.
Variant type: single nucleotide variant.
Coding change: c.869G>C on transcript NM_176869.3 (MANE Select); coding-DNA position 869, G replaced by C.
Protein change: p.Cys290Ser; replaces cysteine 290 with serine.
Molecular consequence: missense variant.
Genome position (GRCh38, 1-based): chr4:105,396,249, C>G on the plus strand (G>C on the coding strand, the complement: PPA2 is on the minus strand). VCF-style: chr4-105396249-C-G. GRCh37 (hg19) VCF-style: chr4-106317406-C-G.
Other names: c.782G>C, p.Cys261Ser (NM_006903.4); c.563G>C, p.Cys188Ser (NM_176866.2); c.371G>C, p.Cys124Ser (NM_176867.3); short protein forms C124S, C188S, C261S, C290S.
Identifiers: ClinVar variation 1315541 (VCV001315541.3), dbSNP rs865942175, ClinGen allele CA102780166.

ClinVar aggregate classification (germline): Uncertain significance (1 of 4 stars; one submission).

Allele frequency attached by ClinVar (database versions not stated): TOPMed below 0.00001; gnomAD 0.00001.
gnomAD v4.1: 2 of 1,546,428 alleles (0.00013%); highest among the groups gnomAD compares: African/African-American, 0.0027%; no homozygotes.

Submission:

GeneDx
Classification: Uncertain significance. Last evaluated: 2025-10-09. Review status: criteria provided, single submitter. Criteria: GeneDx Variant Classification Process June 2021. Collection method: clinical testing. Allele origin: germline. Affected: yes.
Comment: Not observed at significant frequency in large population cohorts (gnomAD); In silico analysis supports that this missense variant has a deleterious effect on protein structure/function; Has not been previously published as pathogenic or benign to our knowledge; In silico analysis is inconclusive as to whether the variant alters gene splicing. In the absence of RNA/functional studies, the actual effect of this sequence change is unknown.